The following is an entry in ClinVar:

ClinVar aggregate classification (germline): Uncertain significance. Review status: criteria provided, multiple submitters, no conflicts (2 of 4 stars). 2 submissions from 2 submitters: Uncertain significance (2). Last evaluated 2019-10-08.

Conditions:
Inborn genetic diseases. Identifiers: MedGen C0950123, MeSH D030342.
Intellectual developmental disorder, autosomal recessive 3. Also called: Intellectual disability, autosomal recessive 3. Identifiers: Orphanet 88616, MedGen C1838023, MONDO:0012037, OMIM 608443.

Allele frequency attached by ClinVar (database versions not stated): gnomAD 0.00003; 1000 Genomes Project 30x 0.00047; gnomAD exomes 0.00004; ExAC 0.00036; 1000 Genomes Project 0.00060.
gnomAD v4.1: 71 of 1,581,776 alleles (0.0045%); highest among the groups gnomAD compares: South Asian, 0.068%; no homozygotes.

Submissions (2):

Revvity Omics, Revvity
Classification: Uncertain significance for Intellectual developmental disorder, autosomal recessive 3. Last evaluated: 2019-10-08. Review status: criteria provided, single submitter. Criteria: ACMG Guidelines, 2015. Collection method: clinical testing. Allele origin: germline.

Ambry Genetics
Classification: Uncertain significance for Inborn genetic diseases. Last evaluated: 2017-06-21. Review status: criteria provided, single submitter. Criteria: Ambry Variant Classification Scheme 2023. Collection method: clinical testing. Allele origin: germline.
Comment: The p.A892T variant (also known as c.2674G>A), located in coding exon 26 of the CC2D1A gene, results from a G to A substitution at nucleotide position 2674. The alanine at codon 892 is replaced by threonine, an amino acid with similar properties. This amino acid position is well conserved in available vertebrate species. In addition, this alteration is predicted to be tolerated by in silico analysis. Since supporting evidence is limited at this time, the clinical significance of this alteration remains unclear.

NM_017721.5(CC2D1A):c.2674G>A (p.Ala892Thr)

Gene: CC2D1A (coiled-coil and C2 domain containing 1A; plus strand). Cytogenetic location: 19p13.12.
Variant type: single nucleotide variant.
Coding change: c.2674G>A on transcript NM_017721.5 (MANE Select); coding-DNA position 2674, G replaced by A.
Protein change: p.Ala892Thr; replaces alanine 892 with threonine.
Molecular consequence: missense variant.
Genome position (GRCh38, 1-based): chr19:13,929,624, G>A. VCF-style: chr19-13929624-G-A. GRCh37 (hg19) VCF-style: chr19-14040437-G-A.
Other names: c.2671G>A, p.Ala891Thr (NM_001411138.1); short protein forms A891T, A892T.
Identifiers: ClinVar variation 1794595 (VCV001794595.5), dbSNP rs532037297, ClinGen allele CA9245175.